The following is an entry in ClinVar:

ClinVar aggregate classification (germline): Uncertain significance. Review status: criteria provided, multiple submitters, no conflicts (2 of 4 stars). 2 submissions from 2 submitters: Uncertain significance (2). Last evaluated 2024-03-07.

Conditions:
Hereditary cancer-predisposing syndrome. Also called: Tumor predisposition; Neoplastic Syndromes, Hereditary; Hereditary Cancer Syndrome; Hereditary neoplastic syndrome. Identifiers: Orphanet 140162, MedGen C0027672, MeSH D009386, MONDO:0015356.
Gorlin syndrome. Also called: Nevoid Basal Cell Carcinoma Syndrome; Basal cell nevus syndrome. Identifiers: Orphanet 377, MedGen C0004779, MONDO:0007187.

Allele frequency attached by ClinVar (database versions not stated): TOPMed below 0.00001.
gnomAD v4.1: 1 of 1,274,606 alleles (0.000078%); highest among the groups gnomAD compares: Non-Finnish European, 0.000099%; no homozygotes.

Submissions (2):

Labcorp Genetics (formerly Invitae), Labcorp
Classification: Uncertain significance for Gorlin syndrome. Last evaluated: 2024-03-07. Review status: criteria provided, single submitter. Criteria: Invitae Variant Classification Sherloc (09022015). Collection method: clinical testing. Allele origin: germline.
Comment: This sequence change replaces proline, which is neutral and non-polar, with leucine, which is neutral and non-polar, at codon 10 of the PTCH1 protein (p.Pro10Leu). This variant is not present in population databases (gnomAD no frequency). This variant has not been reported in the literature in individuals affected with PTCH1-related conditions. ClinVar contains an entry for this variant (Variation ID: 2586115). Advanced modeling of protein sequence and biophysical properties (such as structural, functional, and spatial information, amino acid conservation, physicochemical variation, residue mobility, and thermodynamic stability) performed at Invitae indicates that this missense variant is not expected to disrupt PTCH1 protein function with a negative predictive value of 95%. In summary, the available evidence is currently insufficient to determine the role of this variant in disease. Therefore, it has been classified as a Variant of Uncertain Significance.

Ambry Genetics
Classification: Uncertain significance for Hereditary cancer-predisposing syndrome. Last evaluated: 2023-07-08. Review status: criteria provided, single submitter. Criteria: Ambry Variant Classification Scheme 2023. Collection method: clinical testing. Allele origin: germline.
Comment: The p.P10L variant (also known as c.29C>T), located in coding exon 1 of the PTCH1 gene, results from a C to T substitution at nucleotide position 29. The proline at codon 10 is replaced by leucine, an amino acid with similar properties. This amino acid position is conserved. In addition, this alteration is predicted to be tolerated by in silico analysis. Since supporting evidence is limited at this time, the clinical significance of this alteration remains unclear.

NM_000264.5(PTCH1):c.29C>T (p.Pro10Leu)

Genes: PTCH1 (patched 1; minus strand), LOC130002133 (ATAC-STARR-seq lymphoblastoid silent region 20071; plus strand). Cytogenetic location: 9q22.32.
Variant type: single nucleotide variant.
Coding change: c.29C>T on transcript NM_000264.5 (MANE Select); coding-DNA position 29, C replaced by T.
Protein change: p.Pro10Leu; replaces proline 10 with leucine.
Molecular consequence: missense variant. On other transcripts: non-coding transcript variant (1), intron variant (3).
Genome position (GRCh38, 1-based): chr9:95,508,333, G>A on the plus strand (C>T on the coding strand, the complement: PTCH1 is on the minus strand). VCF-style: chr9-95508333-G-A. GRCh37 (hg19) VCF-style: chr9-98270615-G-A.
Other names: c.29C>T, p.Pro10Leu (NM_001354918.2); c.199-1734C>T (NM_001083603.3); c.4-1734C>T (NM_001083602.3, NM_001354919.2); short protein forms P10L.
Identifiers: ClinVar variation 2586115 (VCV002586115.4), dbSNP rs1046883730, ClinGen allele CA196555787.